The following is an entry in ClinVar:

NC_000009.11:g.(?_6592123)_(6593010_?)del

Gene: GLDC (glycine decarboxylase; minus strand). Cytogenetic location: 9p24.1.
Variant type: Deletion.
Identifiers: ClinVar variation 3245145 (VCV003245145.1).

ClinVar aggregate classification (germline): Pathogenic (1 of 4 stars; one submission).

Conditions:
Glycine encephalopathy. Also called: Nonketotic hyperglycinemia; Non-ketotic hyperglycinemia. Identifiers: Orphanet 407, MedGen C0751748, MONDO:0011612, HP:0008288.

Submission:

Labcorp Genetics (formerly Invitae), Labcorp
Classification: Pathogenic for Glycine encephalopathy. Last evaluated: 2023-12-19. Review status: criteria provided, single submitter. Criteria: Invitae Variant Classification Sherloc (09022015). Collection method: clinical testing. Allele origin: unknown.
Comment: This variant is a gross deletion of the genomic region encompassing exon(s) 10-11 of the GLDC gene. This deletion is out-of-frame, and is expected to create a premature termination codon and result in an absent or disrupted protein product. Loss-of-function variants in GLDC are known to be pathogenic (PMID: 16601880). A similar copy number variant has been observed in individual(s) with nonketotic hyperglycinemia (PMID: 27362913). For these reasons, this variant has been classified as Pathogenic.

Literature cited by the submitters: PubMed 16601880; PubMed 27362913.